The following is an entry in ClinVar:

NM_001939.3(DRP2):c.577C>T (p.Arg193Trp)

Gene: DRP2 (dystrophin related protein 2; plus strand). Cytogenetic location: Xq22.1.
Variant type: single nucleotide variant.
Coding change: c.577C>T on transcript NM_001939.3 (MANE Select); coding-DNA position 577, C replaced by T.
Protein change: p.Arg193Trp; replaces arginine 193 with tryptophan.
Molecular consequence: missense variant.
Genome position (GRCh38, 1-based): chrX:101,241,685, C>T. VCF-style: chrX-101241685-C-T. GRCh37 (hg19) VCF-style: chrX-100496674-C-T.
Other names: c.343C>T, p.Arg115Trp (NM_001171184.2); short protein forms R115W, R193W.
Identifiers: ClinVar variation 2971682 (VCV002971682.3), dbSNP rs141871564, ClinGen allele CA10472106.

ClinVar aggregate classification (germline): Uncertain significance (1 of 4 stars; one submission).

Allele frequency attached by ClinVar (database versions not stated): gnomAD 0.00002; TOPMed below 0.00001; ExAC 0.00002; ESP Exome Variant Server 0.00009.

Submission:

Labcorp Genetics (formerly Invitae), Labcorp
Classification: Uncertain significance. Last evaluated: 2025-08-13. Review status: criteria provided, single submitter. Criteria: Invitae Variant Classification Sherloc (09022015). Collection method: clinical testing. Allele origin: germline.
Comment: This sequence change replaces arginine, which is basic and polar, with tryptophan, which is neutral and slightly polar, at codon 193 of the DRP2 protein (p.Arg193Trp). The frequency data for this variant in the population databases is considered unreliable, as metrics indicate poor data quality at this position in the gnomAD database. This variant has not been reported in the literature in individuals affected with DRP2-related conditions. ClinVar contains an entry for this variant (Variation ID: 2971682). Invitae Evidence Modeling of protein sequence and biophysical properties (such as structural, functional, and spatial information, amino acid conservation, physicochemical variation, residue mobility, and thermodynamic stability) indicates that this missense variant is not expected to disrupt DRP2 protein function with a negative predictive value of 80%. In summary, the available evidence is currently insufficient to determine the role of this variant in disease. Therefore, it has been classified as a Variant of Uncertain Significance.